The following is an entry in ClinVar:

NM_000038.6(APC):c.2369G>T (p.Arg790Ile)

Gene: APC (APC regulator of Wnt signaling pathway; plus strand). Cytogenetic location: 5q22.2.
Variant type: single nucleotide variant.
Coding change: c.2369G>T on transcript NM_000038.6 (MANE Select); coding-DNA position 2369, G replaced by T.
Protein change: p.Arg790Ile; replaces arginine 790 with isoleucine.
Molecular consequence: missense variant. On other transcripts: non-coding transcript variant (2).
Genome position (GRCh38, 1-based): chr5:112,837,963, G>T. VCF-style: chr5-112837963-G-T. GRCh37 (hg19) VCF-style: chr5-112173660-G-T.
Other names: c.2369G>T, p.Arg790Ile (NM_001354895.2, NM_001127510.3, NM_001407450.1); c.2423G>T, p.Arg808Ile (NM_001354896.2, NM_001407447.1, NM_001407448.1 and 1 more transcripts); c.2399G>T, p.Arg800Ile (NM_001354897.2); c.2294G>T, p.Arg765Ile (NM_001354898.2); c.2285G>T, p.Arg762Ile (NM_001354899.2); c.2246G>T, p.Arg749Ile (NM_001354900.2); c.2192G>T, p.Arg731Ile (NM_001354901.2, NM_001407453.1); c.2096G>T, p.Arg699Ile (NM_001354902.2); and 12 more; short protein forms R406I, R507I, R630I, R661I, R664I, R689I, R699I, R707I.
Identifiers: ClinVar variation 3072315 (VCV003072315.2), dbSNP rs1204239908, ClinGen allele CA16026534.

ClinVar aggregate classification (germline): Uncertain significance. Review status: criteria provided, multiple submitters, no conflicts (2 of 4 stars). 2 submissions from 2 submitters: Uncertain significance (2). Last evaluated 2026-01-24.

Conditions:
Hereditary cancer-predisposing syndrome. Also called: Neoplastic Syndromes, Hereditary; Tumor predisposition; Hereditary Cancer Syndrome; Hereditary neoplastic syndrome. Identifiers: Orphanet 140162, MedGen C0027672, MeSH D009386, MONDO:0015356.
Classic or attenuated familial adenomatous polyposis. Identifiers: MedGen CN372698, MONDO:0021057.

Submissions (2):

Ambry Genetics
Classification: Uncertain significance for Hereditary cancer-predisposing syndrome. Last evaluated: 2026-01-24. Review status: criteria provided, single submitter. Criteria: Ambry Variant Classification Scheme 2023. Collection method: clinical testing. Allele origin: germline.
Comment: The p.R790I variant (also known as c.2369G>T), located in coding exon 15 of the APC gene, results from a G to T substitution at nucleotide position 2369. The arginine at codon 790 is replaced by isoleucine, an amino acid with similar properties. This amino acid position is conserved. In addition, in silico predictors for this gene do not accurately predict pathogenicity. Based on the available evidence, the clinical significance of this variant remains unclear.

All of Us Research Program, National Institutes of Health
Classification: Uncertain significance for Classic or attenuated familial adenomatous polyposis. Last evaluated: 2023-08-15. Review status: criteria provided, single submitter. Criteria: ACMG Guidelines, 2015. Collection method: clinical testing. Allele origin: germline. Inheritance: Autosomal dominant inheritance. Observed: 1 variant allele, 1 heterozygote.
Comment: This study involves interpretation of variants in research participants for the purpose of population health screening. Participant phenotype was not available at the time of variant classification. Additional details can be found in publication PMID: 35346344, PMCID: PMC8962531